The following is an entry in ClinVar:

NM_000238.4(KCNH2):c.1946-9_1946-2dup

Gene: KCNH2 (potassium voltage-gated channel subfamily H member 2; minus strand). Cytogenetic location: 7q36.1.
Variant type: Duplication.
Coding change: c.1946-9_1946-2dup on transcript NM_000238.4 (MANE Select); 9 bases into the intron before coding-DNA position 1946 through the canonical splice acceptor site of the intron before coding-DNA position 1946, 8 bases duplicated (CGCCCCCA; older notation c.1946-9_1946-2dupCGCCCCCA).
Molecular consequence: splice acceptor variant.
Genome position (GRCh38, 1-based): chr7:150,951,122-150,951,129, TGGGGGCG duplicated on the plus strand (CGCCCCCA on the coding strand, the reverse complement: KCNH2 is on the minus strand); duplicating any 8 consecutive bases within chr7:150,951,122-150,951,133 gives the same sequence; the c. name uses the placement nearest the transcript's 3' end. VCF-style (leftmost placement, unchanged base first): chr7-150951121-C-CTGGGGGCG. GRCh37 (hg19) VCF-style: chr7-150648209-C-CTGGGGGCG.
Other names: c.1658-9_1658-2dup (NM_001406753.1, NM_001406756.1); c.926-9_926-2dup (NM_172057.3, NM_001204798.2); c.1946-9_1946-2dup (NM_172056.3); c.1769-9_1769-2dup (NM_001406755.1); c.1646-9_1646-2dup (NM_001406757.1).
Identifiers: ClinVar variation 2192478 (VCV002192478.4), dbSNP rs779504703, ClinGen allele CA4566431.
Genomic context (GRCh38, chr7:150,951,121, plus strand): 5'-CCGAGTACAGCCGCTGGATGATGGCCGACACGTTGCCGAAGATGCTAGCATACATGAGGG[C>CTGGGGGCG]TGGGGGCGTGGGCACGTGGGGCCGTCAGCCTCTGCAGGGACCCCACCCACCCACAGGGAC-3'

ClinVar aggregate classification (germline): Uncertain significance (1 of 4 stars; one submission).

Conditions:
Long QT syndrome (LQTS). Identifiers: MedGen C0023976, MeSH D008133, MONDO:0002442. Disease mechanism: loss of function. Inheritance: Various modes of inheritance.

Submission:

Labcorp Genetics (formerly Invitae), Labcorp
Classification: Uncertain significance for Long QT syndrome. Last evaluated: 2024-06-22. Review status: criteria provided, single submitter. Criteria: Invitae Variant Classification Sherloc (09022015). Collection method: clinical testing. Allele origin: germline.
Comment: This sequence change falls in intron 7 of the KCNH2 gene. It does not directly change the encoded amino acid sequence of the KCNH2 protein. This variant is present in population databases (rs779504703, gnomAD 0.003%). This variant has not been reported in the literature in individuals affected with KCNH2-related conditions. ClinVar contains an entry for this variant (Variation ID: 2192478). In summary, the available evidence is currently insufficient to determine the role of this variant in disease. Therefore, it has been classified as a Variant of Uncertain Significance.